The following is an entry in ClinVar:

NM_002101.5(GYPC):c.257G>A (p.Arg86Gln)

Gene: GYPC (glycophorin C (Gerbich blood group); plus strand). Cytogenetic location: 2q14.3.
Variant type: single nucleotide variant.
Coding change: c.257G>A on transcript NM_002101.5 (MANE Select); coding-DNA position 257, G replaced by A.
Protein change: p.Arg86Gln; replaces arginine 86 with glutamine.
Molecular consequence: missense variant.
Genome position (GRCh38, 1-based): chr2:126,696,012, G>A. VCF-style: chr2-126696012-G-A. GRCh37 (hg19) VCF-style: chr2-127453588-G-A.
Other names: p.Arg86Gln; c.194G>A, p.Arg65Gln (NM_001256584.2); c.200G>A, p.Arg67Gln (NM_016815.4); short protein forms R65Q, R67Q, R86Q.
Identifiers: ClinVar variation 2682745 (VCV002682745.1), dbSNP rs139816143, ClinGen allele CA1856788.

ClinVar aggregate classification (germline): Uncertain significance (1 of 4 stars; one submission).

Allele frequency attached by ClinVar (database versions not stated): ESP Exome Variant Server 0.00015.
gnomAD v4.1: 70 of 1,613,934 alleles (0.0043%); highest among the groups gnomAD compares: Non-Finnish European, 0.005%; no homozygotes.

Submission:

Mayo Clinic Laboratories, Mayo Clinic
Classification: Uncertain significance. Last evaluated: 2022-09-20. Review status: criteria provided, single submitter. Criteria: ACMG Guidelines, 2015. Collection method: clinical testing. Allele origin: germline. Observed: 4 variant alleles.
Comment: BP1, BP4_strong